The following is an entry in ClinVar:

NM_001845.6(COL4A1):c.2218G>A (p.Gly740Arg)

Gene: COL4A1 (collagen type IV alpha 1 chain; minus strand). Cytogenetic location: 13q34.
Variant type: single nucleotide variant.
Coding change: c.2218G>A on transcript NM_001845.6 (MANE Select); coding-DNA position 2218, G replaced by A.
Protein change: p.Gly740Arg; replaces glycine 740 with arginine.
Molecular consequence: missense variant.
Genome position (GRCh38, 1-based): chr13:110,179,397, C>T on the plus strand (G>A on the coding strand, the complement: COL4A1 is on the minus strand). VCF-style: chr13-110179397-C-T. GRCh37 (hg19) VCF-style: chr13-110831744-C-T.
Other names: short protein forms G740R.
Identifiers: ClinVar variation 3066090 (VCV003066090.2), dbSNP rs2501783763, ClinGen allele CA388668775.

ClinVar aggregate classification (germline): Likely pathogenic. Review status: criteria provided, multiple submitters, no conflicts (2 of 4 stars). 2 submissions from 2 submitters: Likely pathogenic (2). Last evaluated 2022-12-19.

Conditions:
Autosomal dominant familial hematuria-retinal arteriolar tortuosity-contractures syndrome. Also called: Angiopathy, hereditary, with nephropathy, aneurysms, and muscle cramps; Hereditary Angiopathy with Nephropathy, Aneurysms, and Muscle Cramps (HANAC) Syndrome. Identifiers: Orphanet 73229, MedGen C2673195, MONDO:0012726, OMIM 611773.
Microangiopathy and leukoencephalopathy, pontine, autosomal dominant. Also called: DEMENTIA, HEREDITARY MULTI-INFARCT, SWEDISH TYPE; Pontine autosomal dominant microangiopathy with leukoencephalopathy. Identifiers: Orphanet 477749, MedGen C5231411, MONDO:0032814, OMIM 618564.
Brain small vessel disease 1 with or without ocular anomalies (BSVD1). Also called: BRAIN SMALL VESSEL DISEASE WITH HEMORRHAGE; Brain small vessel disease with or without ocular anomalies; GOULD SYNDROME 1; PORENCEPHALY, TYPE 1, AUTOSOMAL DOMINANT. Identifiers: Orphanet 2940, Orphanet 36383, Orphanet 99810, MedGen C4755307, MONDO:0008289, OMIM 175780.

Allele frequency attached by ClinVar (database versions not stated): gnomAD exomes below 0.00001.
gnomAD v4.1: 1 of 1,614,084 alleles (0.000062%); highest among the groups gnomAD compares: Non-Finnish European, 0.000085%; no homozygotes.

Submissions (2):

MVZ Medizinische Genetik Mainz
Classification: Likely pathogenic for Autosomal dominant familial hematuria-retinal arteriolar tortuosity-contractures syndrome. Last evaluated: 2022-12-19. Review status: criteria provided, single submitter. Criteria: UK Practice Guidelines For Variant Classification V4 01 2020. Collection method: clinical testing. Allele origin: germline. Inheritance: Autosomal dominant inheritance. Affected: yes. Observed: 1 variant allele.
Comment: ACMG Criteria: PM1_STR, PM2_SUP, PP3 (ACMG Version 4)

Molecular Genetics Department, Kulakov National Medical Research Center for Obstetrics, Gynecology and Perinatology
Classification: Likely pathogenic for Brain small vessel disease 1 with or without ocular anomalies; Autosomal dominant familial hematuria-retinal arteriolar tortuosity-contractures syndrome; Microangiopathy and leukoencephalopathy, pontine, autosomal dominant. Review status: criteria provided, single submitter. Criteria: ACMG Guidelines, 2015. Collection method: clinical testing. Allele origin: germline. Affected: yes. Observed: 1 variant allele.
Comment: A previously undescribed heterozygous nucleotide variant creates a missense p.Gly740Arg in the COL4A1 gene. Heterozygous variants are reported in patients with angiopathy, hereditary, with nephropathy, aneurysms, and muscle cramps, 611773; Brain small vessel disease with or without ocular anomalies, 175780; Microangiopathy and leukoencephalopathy, pontine, autosomal dominant, 618564. The variant frequency in population database gnomAD is 0.00006%. The identified variant is located in the alpha-1 chain of type IV collagen and results in a glycine substitution. It is well established that glycine substitutions in the triple-helical domains of collagen genes are highly likely to disrupt the structure and function of the protein [Shoulders et al., 2009, PMID: 19344236]. In summary, the currently available evidence indicates that the variant is pathogenic, but additional data are needed to prove that conclusively. Therefore, this variant has been classified as likely pathogenic.

Literature cited by the submitters: PubMed 19344236 (cited by Molecular Genetics Department, Kulakov National Medical Research Center for Obstetrics, Gynecology and Perinatology).